The following is an entry in ClinVar:

ClinVar aggregate classification (germline): Conflicting classifications of pathogenicity. Review status: criteria provided, conflicting classifications (1 of 4 stars). 5 submissions from 5 submitters: Uncertain significance (4); Likely benign (1). Last evaluated 2025-12-03.

Conditions:
Hereditary cancer-predisposing syndrome. Also called: Tumor predisposition; Hereditary Cancer Syndrome; Hereditary neoplastic syndrome; Neoplastic Syndromes, Hereditary. Identifiers: Orphanet 140162, MedGen C0027672, MeSH D009386, MONDO:0015356.
Hereditary breast ovarian cancer syndrome. Also called: Breast and ovarian cancer; Hereditary breast and ovarian cancer; Hereditary breast and/or ovarian cancer syndrome; BRCA1- and BRCA2-Associated Hereditary Breast and Ovarian Cancer; Hereditary breast and ovarian cancer syndrome (HBOC); Hereditary breast and ovarian cancer syndrome. Identifiers: Orphanet 145, MedGen C0677776, MeSH D061325, MONDO:0003582. Disease mechanism: loss of function.

Allele frequency attached by ClinVar (database versions not stated): gnomAD exomes below 0.00001; TOPMed 0.00001.
gnomAD v4.1: 6 of 1,613,796 alleles (0.00037%); highest among the groups gnomAD compares: South Asian, 0.0033%; no homozygotes.

Submissions (5):

Labcorp Genetics (formerly Invitae), Labcorp
Classification: Uncertain significance for Hereditary breast ovarian cancer syndrome. Last evaluated: 2025-12-03. Review status: criteria provided, single submitter. Criteria: Invitae Variant Classification Sherloc (09022015). Collection method: clinical testing. Allele origin: germline.
Comment: This sequence change replaces asparagine, which is neutral and polar, with serine, which is neutral and polar, at codon 3099 of the BRCA2 protein (p.Asn3099Ser). This variant is not present in population databases (gnomAD no frequency). This missense change has been observed in individual(s) with clinical features of BRCA2-related conditions (PMID: 21520333). ClinVar contains an entry for this variant (Variation ID: 182262). Invitae Evidence Modeling of protein sequence and biophysical properties (such as structural, functional, and spatial information, amino acid conservation, physicochemical variation, residue mobility, and thermodynamic stability) indicates that this missense variant is not expected to disrupt BRCA2 protein function with a negative predictive value of 95%. In summary, the available evidence is currently insufficient to determine the role of this variant in disease. Therefore, it has been classified as a Variant of Uncertain Significance.

Ambry Genetics
Classification: Likely benign for Hereditary cancer-predisposing syndrome. Last evaluated: 2025-05-15. Review status: criteria provided, single submitter. Criteria: Ambry Variant Classification Scheme 2023. Collection method: clinical testing. Allele origin: germline.

Color Diagnostics, LLC DBA Color Health
Classification: Uncertain significance for Hereditary cancer-predisposing syndrome. Last evaluated: 2025-04-28. Review status: criteria provided, single submitter. Criteria: ACMG Guidelines, 2015. Collection method: clinical testing. Allele origin: germline.
Comment: This missense variant replaces asparagine with serine at codon 3099 of the BRCA2 protein. Computational prediction is inconclusive regarding the impact of this variant on protein structure and function. Functional studies reported that this variant does not impact BRCA2 function in a haploid cell proliferation assay and in the rescue of cisplatin and PARP inhibitor sensitivities in mouse Brca2-deficient embryonic stem cells (PMID: 39779848, 39779857). This variant has been detected in a breast cancer case-control meta-analysis in 0/60466 cases and 1/53461 unaffected individuals (PMID: 33471991Leiden Open Variation Database DB-ID BRCA2_001530) and in a suspected hereditary breast and ovarian cancer family (PMID: 31825140). Multifactorial analyses reported a combined likelihood ratio of 0.8604 based on component likelihood ratios for pathogenicity from tumor pathology and personal and family history for 1 carrier (PMID: 31131967, 31853058). This variant has not been identified in the general population by the Genome Aggregation Database (gnomAD). The available evidence is insufficient to determine the role of this variant in disease conclusively. Therefore, this variant is classified as a Variant of Uncertain Significance.

Quest Diagnostics Nichols Institute San Juan Capistrano
Classification: Uncertain significance. Last evaluated: 2023-09-21. Review status: criteria provided, single submitter. Criteria: Quest Diagnostics criteria. Collection method: clinical testing. Allele origin: unknown.
Comment: In the published literature, this variant has been reported in individuals and families with breast and/or ovarian cancer (PMID: 31825140 (2019)) and healthy individuals (PMID: 33471991 (2021)). This variant has not been reported in large, multi-ethnic general populations (Genome Aggregation Database). Analysis of this variant using bioinformatics tools for the prediction of the effect of amino acid changes protein structure and function yielded conflicting predictions that this variant is benign or damaging. Based on the available information, we are unable to determine the clinical significance of this variant.

GeneDx
Classification: Uncertain significance. Last evaluated: 2023-03-23. Review status: criteria provided, single submitter. Criteria: GeneDx Variant Classification Process June 2021. Collection method: clinical testing. Allele origin: germline. Affected: yes.
Comment: Not observed at significant frequency in large population cohorts (gnomAD); In silico analysis supports that this missense variant does not alter protein structure/function; Also known as 9524A>G; Observed in individuals with a personal and/or family history of breast cancer (Gao et al., 2020); This variant is associated with the following publications: (PMID: 31131967, 12228710, 31825140)

Literature cited by the submitters: PubMed 21520333 (cited by Labcorp Genetics (formerly Invitae), Labcorp); PubMed 31131967 (cited by Color Diagnostics, LLC DBA Color Health); PubMed 31825140 (cited by Color Diagnostics, LLC DBA Color Health and Quest Diagnostics Nichols Institute San Juan Capistrano); PubMed 31853058 (cited by Color Diagnostics, LLC DBA Color Health); PubMed 33471991 (cited by Color Diagnostics, LLC DBA Color Health and Quest Diagnostics Nichols Institute San Juan Capistrano); PubMed 39779848 (cited by Color Diagnostics, LLC DBA Color Health); PubMed 39779857 (cited by Color Diagnostics, LLC DBA Color Health).

NM_000059.4(BRCA2):c.9296A>G (p.Asn3099Ser)

Gene: BRCA2 (BRCA2 DNA repair associated; plus strand). Cytogenetic location: 13q13.1.
Variant type: single nucleotide variant.
Coding change: c.9296A>G on transcript NM_000059.4 (MANE Select); coding-DNA position 9296, A replaced by G.
Protein change: p.Asn3099Ser; replaces asparagine 3099 with serine.
Molecular consequence: missense variant.
Genome position (GRCh38, 1-based): chr13:32,394,728, A>G. VCF-style: chr13-32394728-A-G. GRCh37 (hg19) VCF-style: chr13-32968865-A-G.
Other names: p.N3099S:AAT>AGT; short protein forms N3099S.
Identifiers: ClinVar variation 182262 (VCV000182262.20), dbSNP rs730881571, ClinGen allele CA026095.